The following is an entry in ClinVar:

NM_001042492.3(NF1):c.1551_1564del (p.Glu517fs)

Gene: NF1 (neurofibromin 1; plus strand). Cytogenetic location: 17q11.2.
Variant type: Deletion.
Coding change: c.1551_1564del on transcript NM_001042492.3 (MANE Select); coding-DNA positions 1551 to 1564, 14 bases deleted (AACCCAAGGCAGTA).
Protein change: p.Glu517fs; shifts the reading frame from glutamic acid 517.
Molecular consequence: frameshift variant.
Genome position (GRCh38, 1-based): chr17:31,219,028-31,219,041, AACCCAAGGCAGTA deleted; deleting any 14 consecutive bases within chr17:31,219,027-31,219,041 gives the same sequence; the c. name uses the placement nearest the transcript's 3' end. VCF-style (leftmost placement, unchanged base first): chr17-31219026-GAAACCCAAGGCAGT-G. GRCh37 (hg19) VCF-style: chr17-29546044-GAAACCCAAGGCAGT-G.
Other names: c.1550_1563del14 (NM_001042492.2); c.1551_1564delAACCCAAGGCAGTA, p.Glu517Aspfs (NM_000267.4); c.1551_1564del, p.Glu517fs (NM_001128147.3); short protein forms E517fs.
Identifiers: ClinVar variation 428942 (VCV000428942.4), dbSNP rs1131691068, ClinGen allele CA645369655.
Genomic context (GRCh38, chr17:31,219,026, plus strand): 5'-TTTATTTTTTTAATTGAAGTTTCCTTTTTTTCCTTGCAGAATCCAAGAAAACAGGGGCCC[GAAACCCAAGGCAGT>G]ACAGCAGAATTAATTACAGGGCTCGTCCAACTGGTCCCTCAGTCACACATGCCAGAGATT-3'

ClinVar aggregate classification (germline): Pathogenic. Review status: criteria provided, multiple submitters, no conflicts (2 of 4 stars). 2 submissions from 2 submitters: Pathogenic (2). Last evaluated 2025-10-02.

Conditions:
Hereditary cancer-predisposing syndrome. Also called: Hereditary Cancer Syndrome; Neoplastic Syndromes, Hereditary; Hereditary neoplastic syndrome; Tumor predisposition. Identifiers: Orphanet 140162, MedGen C0027672, MeSH D009386, MONDO:0015356.

Submissions (2):

Quest Diagnostics Nichols Institute San Juan Capistrano
Classification: Pathogenic. Last evaluated: 2025-10-02. Review status: criteria provided, single submitter. Criteria: Quest Diagnostics criteria. Collection method: clinical testing. Allele origin: unknown.
Comment: The NF1 c.1551_1564del (p.Glu517Aspfs*36) variant alters the translational reading frame of the NF1 mRNA and causes the premature termination of NF1 protein synthesis. This variant has not been reported in large, multi-ethnic general populations (Genome Aggregation Database). Based on the available information, this variant is classified as pathogenic.

Ambry Genetics
Classification: Pathogenic for Hereditary cancer-predisposing syndrome. Last evaluated: 2013-11-07. Review status: criteria provided, single submitter. Criteria: Ambry Autosomal Dominant and X-Linked criteria (10/2015). Collection method: clinical testing. Allele origin: germline. Observed: 1 variant allele.
Comment: This alteration is expected to result in loss of function by premature protein truncation or nonsense-mediatedâ€¯mRNAâ€¯decay.â€¯As such, this alteration is interpreted as a disease-causing mutation.